The following is an entry in ClinVar:

NM_001035.3(RYR2):c.14522T>C (p.Ile4841Thr)

Gene: RYR2 (ryanodine receptor 2; plus strand). Cytogenetic location: 1q43.
Variant type: single nucleotide variant.
Coding change: c.14522T>C on transcript NM_001035.3 (MANE Select); coding-DNA position 14522, T replaced by C.
Protein change: p.Ile4841Thr; replaces isoleucine 4841 with threonine.
Molecular consequence: missense variant.
Genome position (GRCh38, 1-based): chr1:237,819,124, T>C. VCF-style: chr1-237819124-T-C. GRCh37 (hg19) VCF-style: chr1-237982424-T-C.
Other names: short protein forms I4841T.
Identifiers: ClinVar variation 1716656 (VCV001716656.6), dbSNP rs2528296403, ClinGen allele CA345426339.

ClinVar aggregate classification (germline): Uncertain significance (1 of 4 stars; one submission).

Conditions:
Catecholaminergic polymorphic ventricular tachycardia 1. Also called: VENTRICULAR TACHYCARDIA, CATECHOLAMINERGIC POLYMORPHIC, 1, WITH OR WITHOUT ATRIAL DYSFUNCTION AND/OR DILATED CARDIOMYOPATHY; VENTRICULAR TACHYCARDIA, STRESS-INDUCED POLYMORPHIC 1; RYR2-Related Catecholaminergic Polymorphic Ventricular Tachycardia. Identifiers: Orphanet 3286, MedGen C1631597, MONDO:0011484, OMIM 604772.

Submission:

Labcorp Genetics (formerly Invitae), Labcorp
Classification: Uncertain significance for Catecholaminergic polymorphic ventricular tachycardia 1. Last evaluated: 2022-07-17. Review status: criteria provided, single submitter. Criteria: Invitae Variant Classification Sherloc (09022015). Collection method: clinical testing. Allele origin: germline.
Comment: Algorithms developed to predict the effect of missense changes on protein structure and function are either unavailable or do not agree on the potential impact of this missense change (SIFT: "Deleterious"; PolyPhen-2: "Possibly Damaging"; Align-GVGD: "Class C0"). In summary, the available evidence is currently insufficient to determine the role of this variant in disease. Therefore, it has been classified as a Variant of Uncertain Significance. This variant has not been reported in the literature in individuals affected with RYR2-related conditions. This sequence change replaces isoleucine, which is neutral and non-polar, with threonine, which is neutral and polar, at codon 4841 of the RYR2 protein (p.Ile4841Thr). This variant is not present in population databases (gnomAD no frequency).